The following is an entry in ClinVar:

ClinVar aggregate classification (germline): Uncertain significance (1 of 4 stars; one submission).

Conditions:
Hyper-IgM syndrome type 1. Also called: Hyper-IgM Immunodeficiency Syndrome, Type 1; CD40 Ligand Deficiency; X-linked hyper-IgM syndrome; Immunodeficiency, X-linked, with hyper-IgM. Identifiers: Orphanet 101088, MedGen C0398689, MONDO:0010626, OMIM 308230.

Allele frequency attached by ClinVar (database versions not stated): gnomAD exomes 0.00001 and below 0.00001.
gnomAD v4.1: 1 of 1,208,354 alleles (0.000083%); highest among the groups gnomAD compares: Non-Finnish European, 0.00011%; no homozygotes.

Submission:

Labcorp Genetics (formerly Invitae), Labcorp
Classification: Uncertain significance for Hyper-IgM syndrome type 1. Last evaluated: 2023-10-13. Review status: criteria provided, single submitter. Criteria: Invitae Variant Classification Sherloc (09022015). Collection method: clinical testing. Allele origin: germline.
Comment: This sequence change replaces serine, which is neutral and polar, with arginine, which is basic and polar, at codon 131 of the CD40LG protein (p.Ser131Arg). This variant is present in population databases (no rsID available, gnomAD 0.001%). This missense change has been observed in individual(s) with clinical features of CD40LG-related conditions (PMID: 35570134). ClinVar contains an entry for this variant (Variation ID: 1385594). Advanced modeling of protein sequence and biophysical properties (such as structural, functional, and spatial information, amino acid conservation, physicochemical variation, residue mobility, and thermodynamic stability) performed at Invitae indicates that this missense variant is not expected to disrupt CD40LG protein function. In summary, the available evidence is currently insufficient to determine the role of this variant in disease. Therefore, it has been classified as a Variant of Uncertain Significance.

Literature cited by the submitters: PubMed 35570134.

NM_000074.3(CD40LG):c.393C>G (p.Ser131Arg)

Gene: CD40LG (CD40 ligand; plus strand). Cytogenetic location: Xq26.3.
Variant type: single nucleotide variant.
Coding change: c.393C>G on transcript NM_000074.3 (MANE Select); coding-DNA position 393, C replaced by G.
Protein change: p.Ser131Arg; replaces serine 131 with arginine.
Molecular consequence: missense variant.
Genome position (GRCh38, 1-based): chrX:136,656,402, C>G. VCF-style: chrX-136656402-C-G. GRCh37 (hg19) VCF-style: chrX-135738561-C-G.
Other names: short protein forms S131R.
Identifiers: ClinVar variation 1385594 (VCV001385594.8), dbSNP rs1210201609, ClinGen allele CA414755085.